The following is an entry in ClinVar:

ClinVar aggregate classification (germline): Uncertain significance (1 of 4 stars; one submission).

Conditions:
Syndromic multisystem autoimmune disease due to ITCH deficiency. Also called: AUTOIMMUNE DISEASE, MULTISYSTEM, WITH FACIAL DYSMORPHISM. Identifiers: Orphanet 228426, MedGen C3150649, MONDO:0013245, OMIM 613385.

Allele frequency attached by ClinVar (database versions not stated): gnomAD exomes below 0.00001.
gnomAD v4.1: 1 of 1,614,094 alleles (0.000062%); highest among the groups gnomAD compares: Non-Finnish European, 0.000085%; no homozygotes.

Submission:

Labcorp Genetics (formerly Invitae), Labcorp
Classification: Uncertain significance for Syndromic multisystem autoimmune disease due to ITCH deficiency. Last evaluated: 2022-08-08. Review status: criteria provided, single submitter. Criteria: Invitae Variant Classification Sherloc (09022015). Collection method: clinical testing. Allele origin: germline.
Comment: In summary, the available evidence is currently insufficient to determine the role of this variant in disease. Therefore, it has been classified as a Variant of Uncertain Significance. Algorithms developed to predict the effect of missense changes on protein structure and function are either unavailable or do not agree on the potential impact of this missense change (SIFT: "Not Available"; PolyPhen-2: "Benign"; Align-GVGD: "Not Available"). This variant has not been reported in the literature in individuals affected with ITCH-related conditions. This variant is not present in population databases (gnomAD no frequency). This sequence change replaces serine, which is neutral and polar, with threonine, which is neutral and polar, at codon 10 of the ITCH protein (p.Ser10Thr).

NM_031483.7(ITCH):c.28T>A (p.Ser10Thr)

Gene: ITCH (itchy E3 ubiquitin protein ligase; plus strand). Cytogenetic location: 20q11.22.
Variant type: single nucleotide variant.
Coding change: c.28T>A on transcript NM_031483.7 (MANE Select); coding-DNA position 28, T replaced by A.
Protein change: p.Ser10Thr; replaces serine 10 with threonine.
Molecular consequence: missense variant. On other transcripts: 5 prime UTR variant (1).
Genome position (GRCh38, 1-based): chr20:34,393,839, T>A. VCF-style: chr20-34393839-T-A. GRCh37 (hg19) VCF-style: chr20-32981645-T-A.
Other names: c.28T>A, p.Ser10Thr (NM_001257137.3, NM_001324197.2, NM_001324198.2); c.-161T>A (NM_001257138.3); short protein forms S10T.
Identifiers: ClinVar variation 1715648 (VCV001715648.5), dbSNP rs2038572671, ClinGen allele CA408660641.
Genomic context (GRCh38, chr20:34,393,839, plus strand): 5'-TGCCATGTTCAGGTTTTCCAACCTATTGGTGGTATGTCTGACAGTGGATCACAACTTGGT[T>A]CAATGGGTAGCCTCACCATGAAATCACAGCTTCAGATCACTGGTAAGTTTTAGAAACATC-3'
Protein context (NP_113671.3, residues 1-20): MSDSGSQLG[Ser10Thr]MGSLTMKSQL